The following is an entry in ClinVar:

NM_004186.5(SEMA3F):c.1527G>A (p.Glu509=)

Gene: SEMA3F (semaphorin 3F; plus strand). Cytogenetic location: 3p21.31.
Variant type: single nucleotide variant.
Coding change: c.1527G>A on transcript NM_004186.5 (MANE Select); coding-DNA position 1527, G replaced by A.
Protein change: p.Glu509=; no amino-acid change (glutamic acid 509 retained).
Molecular consequence: synonymous variant.
Genome position (GRCh38, 1-based): chr3:50,185,513, G>A. VCF-style: chr3-50185513-G-A. GRCh37 (hg19) VCF-style: chr3-50222946-G-A.
Other names: c.1230G>A, p.Glu410= (NM_001318798.2); c.1434G>A, p.Glu478= (NM_001318800.2).
Identifiers: ClinVar variation 3058207 (VCV003058207.2), dbSNP rs1699179455, ClinGen allele CA433676054.
Genomic context (GRCh38, chr3:50,185,513, plus strand): 5'-AGTGCAGAAGGTCATTGTGCTGCCCAAGGATGACCAGGAGTTGGAGGAGCTCATGCTGGA[G>A]GAGGTGGAGGTCTTCAAGGTGGGTGTGACACCACCCAGTCCTGACCTCCCCACCTTTACC-3'
Protein context (NP_004177.3, residues 499-519): DDQELEELML[Glu509=]EVEVFKDPAP

ClinVar aggregate classification (germline): Likely benign (0 of 4 stars; one submission).

Conditions:
SEMA3F-related disorder. Also called: SEMA3F-related condition.

Submission:

PreventionGenetics, part of Exact Sciences
Classification: Likely benign for SEMA3F-related condition. Last evaluated: 2023-10-17. Review status: no assertion criteria provided. Collection method: clinical testing. Allele origin: germline.
Comment: This variant is classified as likely benign based on ACMG/AMP sequence variant interpretation guidelines (Richards et al. 2015 PMID: 25741868, with internal and published modifications).